The following is an entry in ClinVar:

ClinVar aggregate classification (germline): Likely pathogenic (1 of 4 stars; one submission).

Conditions:
Congenital hyperammonemia, type I. Also called: Carbamoyl phosphate synthetase I deficiency disease; CPS I DEFICIENCY; Carbamoyl phosphate synthetase 1 deficiency; Hyperammonemia due to carbamoyl phosphate synthetase 1 deficiency; CPS 1 deficiency; Carbamyl phosphate synthetase (CPS) deficiency. Identifiers: Orphanet 147, MedGen C4082171, MONDO:0009376, OMIM 237300.

Submission:

Natera, Inc.
Classification: Likely pathogenic for Carbamoyl-phosphate synthase I deficiency. Last evaluated: 2025-12-17. Review status: criteria provided, single submitter. Criteria: Natera Variant Classification Schema (03/2026). Collection method: clinical testing. Allele origin: germline.
Comment: The c.3945del variant in CPS1 is a frameshift variant predicted to shift the reading frame beginning at codon 1315 and leads to a stop codon 4 codons downstream. This variant is expected to result in nonsense mediated decay, truncation, or a dysfunctional protein product. This variant is rare in the general population with a frequency below the threshold expected for the associated phenotype(s). Given the available evidence, this variant is classified as Likely Pathogenic.

NM_001875.5(CPS1):c.3945del (p.Trp1315fs)

Gene: CPS1 (carbamoyl-phosphate synthase 1; plus strand). Cytogenetic location: 2q34.
Variant type: Deletion.
Coding change: c.3945del on transcript NM_001875.5 (MANE Select); coding-DNA position 3945, one base deleted (G; older notation c.3945delG).
Protein change: p.Trp1315fs; shifts the reading frame from tryptophan 1315.
Molecular consequence: frameshift variant. On other transcripts: non-coding transcript variant (2).
Genome position (GRCh38, 1-based): chr2:210,663,140, G deleted; the last of 2 consecutive G bases (chr2:210,663,139-210,663,140); deleting either gives the same sequence. VCF-style (leftmost placement, unchanged base first): chr2-210663138-TG-T. GRCh37 (hg19) VCF-style: chr2-211527862-TG-T.
Other names: c.3945del, p.Trp1315fs (NM_001122633.3, NM_001369257.1); c.3978del, p.Trp1326fs (NM_001369256.1); c.3945delG, p.Trp1315Cysfs (NM_001875.4); short protein forms W1315fs, W1326fs.
Identifiers: ClinVar variation 4814963 (VCV004814963.1).